The following is an entry in ClinVar:

ClinVar aggregate classification (germline): Uncertain significance (1 of 4 stars; one submission).

Conditions:
DICER1-related tumor predisposition. Also called: DICER1-related pleuropulmonary blastoma cancer predisposition syndrome; DICER1 syndrome. Identifiers: Orphanet 284343, MedGen C3839822, MONDO:0100216.

Submission:

Labcorp Genetics (formerly Invitae), Labcorp
Classification: Uncertain significance for DICER1-related tumor predisposition. Last evaluated: 2024-10-17. Review status: criteria provided, single submitter. Criteria: Invitae Variant Classification Sherloc (09022015). Collection method: clinical testing. Allele origin: germline.
Comment: This sequence change replaces lysine, which is basic and polar, with arginine, which is basic and polar, at codon 1756 of the DICER1 protein (p.Lys1756Arg). This variant is present in population databases (no rsID available, gnomAD 0.1%). This variant has not been reported in the literature in individuals affected with DICER1-related conditions. Invitae Evidence Modeling of protein sequence and biophysical properties (such as structural, functional, and spatial information, amino acid conservation, physicochemical variation, residue mobility, and thermodynamic stability) indicates that this missense variant is not expected to disrupt DICER1 protein function with a negative predictive value of 95%. Algorithms developed to predict the effect of sequence changes on RNA splicing suggest that this variant may create or strengthen a splice site. In summary, the available evidence is currently insufficient to determine the role of this variant in disease. Therefore, it has been classified as a Variant of Uncertain Significance.

NM_177438.3(DICER1):c.5267A>G (p.Lys1756Arg)

Gene: DICER1 (dicer 1, ribonuclease III; minus strand). Cytogenetic location: 14q32.13.
Variant type: single nucleotide variant.
Coding change: c.5267A>G on transcript NM_177438.3 (MANE Select); coding-DNA position 5267, A replaced by G.
Protein change: p.Lys1756Arg; replaces lysine 1756 with arginine.
Molecular consequence: missense variant. On other transcripts: non-coding transcript variant (6).
Genome position (GRCh38, 1-based): chr14:95,093,985, T>C on the plus strand (A>G on the coding strand, the complement: DICER1 is on the minus strand). VCF-style: chr14-95093985-T-C. GRCh37 (hg19) VCF-style: chr14-95560322-T-C.
Other names: c.5267A>G, p.Lys1756Arg (NM_001195573.1, NM_001271282.3, NM_001291628.2 and 8 more transcripts); c.4985A>G, p.Lys1662Arg (NM_001395686.1); c.4862A>G, p.Lys1621Arg (NM_001395687.1, NM_001395688.1, NM_001395689.1 and 1 more transcripts); c.4700A>G, p.Lys1567Arg (NM_001395691.1); c.3584A>G, p.Lys1195Arg (NM_001395697.1); short protein forms K1195R, K1662R, K1621R, K1756R, K1567R.
Identifiers: ClinVar variation 3671953 (VCV003671953.2).